The following is an entry in ClinVar:

NM_006915.3(RP2):c.358C>T (p.Arg120Ter)

Gene: RP2 (RP2 activator of ARL3 GTPase; plus strand). Cytogenetic location: Xp11.3.
Variant type: single nucleotide variant.
Coding change: c.358C>T on transcript NM_006915.3 (MANE Select); coding-DNA position 358, C replaced by T.
Protein change: p.Arg120Ter; replaces arginine 120 with a stop codon.
Molecular consequence: nonsense.
Genome position (GRCh38, 1-based): chrX:46,853,731, C>T. VCF-style: chrX-46853731-C-T. GRCh37 (hg19) VCF-style: chrX-46713166-C-T.
Other names: short protein forms R120*.
Identifiers: ClinVar variation 10551 (VCV000010551.26), dbSNP rs104894927, ClinGen allele CA255305.

ClinVar aggregate classification (germline): Pathogenic. Review status: criteria provided, multiple submitters, no conflicts (2 of 4 stars). 13 submissions from 13 submitters: Pathogenic (9). 4 of the submissions do not count toward it. Last evaluated 2026-01-04.

Conditions:
RP2-related disorder. Also called: RP2-related condition.
Retinal dystrophy. Also called: Inherited retinal dystrophy. Identifiers: Orphanet 71862, MedGen C0854723, MeSH D058499, MONDO:0019118, HP:0000556.
Retinitis pigmentosa (RP). Identifiers: Orphanet 791, MedGen C0035334, MeSH D012174, MONDO:0019200, OMIM 268000. Inheritance: Autosomal dominant, autosomal recessive and X linked inheritance.
Retinitis pigmentosa 2 (RP2). Also called: Retinitis pigmentosa 2, X linked. Identifiers: Orphanet 791, MedGen C2681923, MONDO:0010723, OMIM 312600.

Submissions (13):

Labcorp Genetics (formerly Invitae), Labcorp
Classification: Pathogenic. Last evaluated: 2026-01-04. Review status: criteria provided, single submitter. Criteria: Invitae Variant Classification Sherloc (09022015). Collection method: clinical testing. Allele origin: germline.
Comment: This sequence change creates a premature translational stop signal (p.Arg120*) in the RP2 gene. It is expected to result in an absent or disrupted protein product. Loss-of-function variants in RP2 are known to be pathogenic (PMID: 11992260, 20625056). This variant is not present in population databases (gnomAD no frequency). This premature translational stop signal has been observed in individuals with X-linked retinitis pigmentosa (PMID: 10053026, 11262649, 25097241). ClinVar contains an entry for this variant (Variation ID: 10551). For these reasons, this variant has been classified as Pathogenic.

3billion
Classification: Pathogenic for Retinitis pigmentosa 2. Last evaluated: 2025-08-28. Review status: criteria provided, single submitter. Criteria: ACMG Guidelines, 2015. Collection method: clinical testing. Allele origin: germline. Affected: yes.
Comment: The variant is not observed in the gnomAD v4.1.0 dataset. Predicted Consequence/Location: Stop-gained (nonsense): predicted to result in a loss or disruption of normal protein function through nonsense-mediated decay (NMD) or protein truncation. Multiple pathogenic variants are reported downstream of the variant. The variant has been observed in at least two similarly affected unrelated individuals (PMID: 10090907). The variant has been reported at least twice as pathogenic with clinical assertions and evidence for the classification (ClinVar ID: VCV000010551 /PMID: 10053026). Therefore, this variant is classified as Pathogenic according to the recommendation of ACMG/AMP guideline.

Blueprint Genetics
Classification: Pathogenic for RP2-related disorders. Last evaluated: 2024-04-12. Review status: criteria provided, single submitter. Criteria: ACMG Guidelines, 2015. Collection method: clinical testing. Allele origin: germline. Affected: yes. Observed: 5 variant alleles.

Women's Health and Genetics/Laboratory Corporation of America, LabCorp
Classification: Pathogenic for Retinitis pigmentosa. Last evaluated: 2023-01-24. Review status: criteria provided, single submitter. Criteria: LabCorp Variant Classification Summary - May 2015. Collection method: clinical testing. Allele origin: germline.
Comment: Variant summary: RP2 c.358C>T (p.Arg120X) results in a premature termination codon, predicted to cause a truncation of the encoded protein or absence of the protein due to nonsense mediated decay, which are commonly known mechanisms for disease. Truncations downstream of this position are classified as pathogenic in ClinVar. The variant was absent in 183442 control chromosomes. c.358C>T has been reported in the literature in multiple individuals affected with Retinitis Pigmentosa, X-Linked with evidence of cosegregation with disease within families (Hardcastle_1999, Jin_2006, Sharon_2019). These data indicate that the variant is very likely to be associated with disease. Lymphoblastoid cells from male patients with the variant have been reported to show greatly reduced RP2 mRNA expression and absent RP2 protein (Grayson_2002). Eight submitters have provided clinical-significance assessments for this variant to ClinVar after 2014, and all classified the variant as pathogenic. Based on the evidence outlined above, the variant was classified as pathogenic.

Genetics and Molecular Pathology, SA Pathology
Classification: Pathogenic for Retinitis pigmentosa 2. Last evaluated: 2021-06-03. Review status: criteria provided, single submitter. Criteria: ACMG Guidelines, 2015. Collection method: clinical testing. Allele origin: germline. Affected: yes.

Institute of Medical Genetics and Applied Genomics, University Hospital Tübingen
Classification: Pathogenic. Last evaluated: 2020-10-23. Review status: criteria provided, single submitter. Criteria: ACMG Guidelines, 2015. Collection method: clinical testing. Allele origin: germline. Inheritance: Unknown mechanism. Affected: yes.

Institute of Human Genetics, Univ. Regensburg, Univ. Regensburg
Classification: Pathogenic for Retinal dystrophy. Last evaluated: 2019-01-01. Review status: criteria provided, single submitter. Criteria: ACMG Guidelines, 2015. Collection method: clinical testing. Allele origin: germline. Affected: yes.

Molecular Diagnostics Laboratory, M Health Fairview: University of Minnesota
Classification: Pathogenic for Retinitis pigmentosa 2. Last evaluated: 2016-05-10. Review status: criteria provided, single submitter. Criteria: ACMG Guidelines, 2015. Collection method: clinical testing. Allele origin: germline. Affected: yes. Observed: 1 variant allele.

Juno Genomics, Hangzhou Juno Genomics, Inc
Classification: Pathogenic for Retinitis pigmentosa 2. Review status: criteria provided, single submitter. Criteria: ACMG Guidelines, 2015. Collection method: clinical testing. Allele origin: germline.
Comment: Absent from controls (or at extremely low frequency if recessive) in Genome Aggregation Database.;Null variant in a gene where loss of function (LOF) is a known mechanism of disease.;The prevalence of the variant in affected individuals is significantly increased compared to the prevalence in controls.

Sharon lab, Hadassah-Hebrew University Medical Center
Classification: Pathogenic for Retinitis pigmentosa. Last evaluated: 2019-06-23. Review status: no assertion criteria provided. Collection method: research. Allele origin: inherited. Affected: yes. Not counted in ClinVar's aggregate classification.

Department of Clinical Genetics, Copenhagen University Hospital, Rigshospitalet
Classification: Pathogenic for Retinitis pigmentosa. Last evaluated: 2018-04-01. Review status: no assertion criteria provided. Collection method: research. Allele origin: unknown. Affected: yes. Study: VeluxRD. Not counted in ClinVar's aggregate classification.

NIHR Bioresource Rare Diseases, University of Cambridge
Classification: Pathogenic for Retinal dystrophy. Last evaluated: 2015-01-01. Review status: no assertion criteria provided. Collection method: research. Allele origin: unknown. Affected: yes. Observed: 1 variant allele. Not counted in ClinVar's aggregate classification.

OMIM
Classification: Pathogenic for RETINITIS PIGMENTOSA 2. Last evaluated: 2004-01-01. Review status: no assertion criteria provided. Collection method: literature only. Allele origin: unknown. Not counted in ClinVar's aggregate classification.

Literature cited by the submitters: PubMed 11992260 (cited by Labcorp Genetics (formerly Invitae), Labcorp); PubMed 20625056 (cited by Labcorp Genetics (formerly Invitae), Labcorp); PubMed 10053026 (cited by 4 submitters); PubMed 11262649 (cited by Labcorp Genetics (formerly Invitae), Labcorp and Institute of Human Genetics, Univ. Regensburg, Univ. Regensburg); PubMed 25097241 (cited by Labcorp Genetics (formerly Invitae), Labcorp and Institute of Human Genetics, Univ. Regensburg, Univ. Regensburg); PubMed 10090907 (cited by 4 submitters); PubMed 31456290 (cited by Women's Health and Genetics/Laboratory Corporation of America, LabCorp and Institute of Human Genetics, Univ. Regensburg, Univ. Regensburg); PubMed 11826029 (cited by Women's Health and Genetics/Laboratory Corporation of America, LabCorp and Institute of Human Genetics, Univ. Regensburg, Univ. Regensburg); PubMed 17093403 (cited by Women's Health and Genetics/Laboratory Corporation of America, LabCorp); PubMed 25356976 (cited by Institute of Human Genetics, Univ. Regensburg, Univ. Regensburg); PubMed 25292197 (cited by Institute of Human Genetics, Univ. Regensburg, Univ. Regensburg); PubMed 28444310 (cited by Institute of Human Genetics, Univ. Regensburg, Univ. Regensburg); PubMed 28559085 (cited by Institute of Human Genetics, Univ. Regensburg, Univ. Regensburg); PubMed 30280194 (cited by Institute of Human Genetics, Univ. Regensburg, Univ. Regensburg); PubMed 31054281 (cited by Institute of Human Genetics, Univ. Regensburg, Univ. Regensburg); PubMed 30917587 (cited by Institute of Human Genetics, Univ. Regensburg, Univ. Regensburg); PubMed 32875684 (cited by Institute of Human Genetics, Univ. Regensburg, Univ. Regensburg); PubMed 31429209 (cited by Institute of Human Genetics, Univ. Regensburg, Univ. Regensburg); PubMed 32581362 (cited by Institute of Human Genetics, Univ. Regensburg, Univ. Regensburg); PubMed 31630094 (cited by Institute of Human Genetics, Univ. Regensburg, Univ. Regensburg); PubMed 31816670 (cited by Institute of Human Genetics, Univ. Regensburg, Univ. Regensburg); PubMed 33576794 (cited by Institute of Human Genetics, Univ. Regensburg, Univ. Regensburg); PubMed 34921139 (cited by Institute of Human Genetics, Univ. Regensburg, Univ. Regensburg); PubMed 36460718 (cited by Institute of Human Genetics, Univ. Regensburg, Univ. Regensburg); PubMed 36284460 (cited by Institute of Human Genetics, Univ. Regensburg, Univ. Regensburg); PubMed 36819107 (cited by Institute of Human Genetics, Univ. Regensburg, Univ. Regensburg); PubMed 15032968 (cited by Molecular Diagnostics Laboratory, M Health Fairview: University of Minnesota and OMIM); PubMed 30718709 (cited by Department of Clinical Genetics, Copenhagen University Hospital, Rigshospitalet); PubMed 28041643 (cited by NIHR Bioresource Rare Diseases, University of Cambridge).